The following is an entry in ClinVar:

ClinVar aggregate classification (germline): Uncertain significance (1 of 4 stars; one submission).

Allele frequency attached by ClinVar (database versions not stated): TOPMed below 0.00001.

Submission:

Labcorp Genetics (formerly Invitae), Labcorp
Classification: Uncertain significance. Last evaluated: 2023-11-27. Review status: criteria provided, single submitter. Criteria: Invitae Variant Classification Sherloc (09022015). Collection method: clinical testing. Allele origin: germline.
Comment: This sequence change replaces asparagine, which is neutral and polar, with histidine, which is basic and polar, at codon 115 of the PNPT1 protein (p.Asn115His). This variant is not present in population databases (gnomAD no frequency). This variant has not been reported in the literature in individuals affected with PNPT1-related conditions. ClinVar contains an entry for this variant (Variation ID: 1913936). Advanced modeling of protein sequence and biophysical properties (such as structural, functional, and spatial information, amino acid conservation, physicochemical variation, residue mobility, and thermodynamic stability) has been performed at Invitae for this missense variant, however the output from this modeling did not meet the statistical confidence thresholds required to predict the impact of this variant on PNPT1 protein function. In summary, the available evidence is currently insufficient to determine the role of this variant in disease. Therefore, it has been classified as a Variant of Uncertain Significance.

NM_033109.5(PNPT1):c.343A>C (p.Asn115His)

Gene: PNPT1 (polyribonucleotide nucleotidyltransferase 1; minus strand). Cytogenetic location: 2p16.1.
Variant type: single nucleotide variant.
Coding change: c.343A>C on transcript NM_033109.5 (MANE Select); coding-DNA position 343, A replaced by C.
Protein change: p.Asn115His; replaces asparagine 115 with histidine.
Molecular consequence: missense variant.
Genome position (GRCh38, 1-based): chr2:55,685,003, T>G on the plus strand (A>C on the coding strand, the complement: PNPT1 is on the minus strand). VCF-style: chr2-55685003-T-G. GRCh37 (hg19) VCF-style: chr2-55912138-T-G.
Other names: short protein forms N115H.
Identifiers: ClinVar variation 1913936 (VCV001913936.5), dbSNP rs1697357722, ClinGen allele CA346940963.